The following is an entry in ClinVar:

NM_000170.3(GLDC):c.862-5_883del

Gene: GLDC (glycine decarboxylase; minus strand). Cytogenetic location: 9p24.1.
Variant type: Deletion.
Coding change: c.862-5_883del on transcript NM_000170.3 (MANE Select); 5 bases into the intron before coding-DNA position 862 through coding-DNA position 883, 27 bases deleted (TCTAGAGCCTGGCCTGCTGTGCTACTG).
Molecular consequence: splice acceptor variant.
Genome position (GRCh38, 1-based): chr9:6,604,763-6,604,789, CAGTAGCACAGCAGGCCAGGCTCTAGA deleted on the plus strand (TCTAGAGCCTGGCCTGCTGTGCTACTG on the coding strand, the reverse complement: GLDC is on the minus strand). VCF-style (leftmost placement, unchanged base first): chr9-6604762-TCAGTAGCACAGCAGGCCAGGCTCTAGA-T. GRCh37 (hg19) VCF-style: chr9-6604762-TCAGTAGCACAGCAGGCCAGGCTCTAGA-T.
Identifiers: ClinVar variation 1071673 (VCV001071673.9), dbSNP rs2129896575, ClinGen allele CA2499219923.

ClinVar aggregate classification (germline): Pathogenic (1 of 4 stars; one submission).

Conditions:
Glycine encephalopathy. Also called: Nonketotic hyperglycinemia; Non-ketotic hyperglycinemia. Identifiers: Orphanet 407, MedGen C0751748, MONDO:0011612, HP:0008288.

Submission:

Labcorp Genetics (formerly Invitae), Labcorp
Classification: Pathogenic for Glycine encephalopathy. Last evaluated: 2022-02-04. Review status: criteria provided, single submitter. Criteria: Invitae Variant Classification Sherloc (09022015). Collection method: clinical testing. Allele origin: germline.
Comment: For these reasons, this variant has been classified as Pathogenic. This variant disrupts the p.Cys291 amino acid residue in GLDC. Other variant(s) that disrupt this residue have been determined to be pathogenic (PMID: 26179960, 27362913; Invitae). This suggests that this residue is clinically significant, and that variants that disrupt this residue are likely to be disease-causing. Algorithms developed to predict the effect of sequence changes on RNA splicing suggest that this variant may disrupt the consensus splice site. ClinVar contains an entry for this variant (Variation ID: 1071673). This variant has not been reported in the literature in individuals affected with GLDC-related conditions. This variant is not present in population databases (gnomAD no frequency). This variant results in the deletion of part of exon 7 (c.862-5_883del) of the GLDC gene. It is expected to disrupt RNA splicing. Variants that disrupt the donor or acceptor splice site typically lead to a loss of protein function (PMID: 16199547), and loss-of-function variants in GLDC are known to be pathogenic (PMID: 16601880).

Literature cited by the submitters: PubMed 26179960; PubMed 27362913; PubMed 16199547; PubMed 16601880.